The following is an entry in ClinVar:

ClinVar aggregate classification (germline): Uncertain significance (1 of 4 stars; one submission).

Conditions:
RYR1-related disorder. Also called: RYR1-related condition; RYR1-related disorders. Identifiers: MedGen CN239331.

Submission:

Labcorp Genetics (formerly Invitae), Labcorp
Classification: Uncertain significance for RYR1-related disorder. Last evaluated: 2022-12-16. Review status: criteria provided, single submitter. Criteria: Invitae Variant Classification Sherloc (09022015). Collection method: clinical testing. Allele origin: germline.
Comment: Advanced modeling of protein sequence and biophysical properties (such as structural, functional, and spatial information, amino acid conservation, physicochemical variation, residue mobility, and thermodynamic stability) performed at Invitae indicates that this missense variant is expected to disrupt RYR1 protein function. ClinVar contains an entry for this variant (Variation ID: 1721013). In summary, the available evidence is currently insufficient to determine the role of this variant in disease. Therefore, it has been classified as a Variant of Uncertain Significance. This variant has not been reported in the literature in individuals affected with RYR1-related conditions. This variant is not present in population databases (gnomAD no frequency). This sequence change replaces threonine, which is neutral and polar, with isoleucine, which is neutral and non-polar, at codon 4652 of the RYR1 protein (p.Thr4652Ile).

NM_000540.3(RYR1):c.13955C>T (p.Thr4652Ile)

Gene: RYR1 (ryanodine receptor 1; plus strand). Cytogenetic location: 19q13.2.
Variant type: single nucleotide variant.
Coding change: c.13955C>T on transcript NM_000540.3 (MANE Select); coding-DNA position 13955, C replaced by T.
Protein change: p.Thr4652Ile; replaces threonine 4652 with isoleucine.
Molecular consequence: missense variant.
Genome position (GRCh38, 1-based): chr19:38,572,227, C>T. VCF-style: chr19-38572227-C-T. GRCh37 (hg19) VCF-style: chr19-39062867-C-T.
Other names: c.13940C>T, p.Thr4647Ile (NM_001042723.2); short protein forms T4647I, T4652I.
Identifiers: ClinVar variation 1721013 (VCV001721013.5), dbSNP rs2514713359, ClinGen allele CA405681344.
Genomic context (GRCh38, chr19:38,572,227, plus strand): 5'-TCCTGGAGGAAAGCACAGGCTACATGGAACCCGCCCTGCGGTGTCTGAGCCTCCTGCATA[C>T]ACTGGTGGCCTTTCTCTGCATCATTGGCTATAATTGTCTCAAGGTGGGCCCATGGCCATG-3'
Protein context (NP_000531.2, residues 4642-4662): PALRCLSLLH[Thr4652Ile]LVAFLCIIGY